The following is an entry in ClinVar:

NM_004006.3(DMD):c.9165G>A (p.Thr3055=)

Gene: DMD (dystrophin; minus strand). Cytogenetic location: Xp21.2.
Variant type: single nucleotide variant.
Coding change: c.9165G>A on transcript NM_004006.3 (MANE Select); coding-DNA position 9165, G replaced by A.
Protein change: p.Thr3055=; no amino-acid change (threonine 3055 retained).
Molecular consequence: synonymous variant.
Genome position (GRCh38, 1-based): chrX:31,323,657, C>T on the plus strand (G>A on the coding strand, the complement: DMD is on the minus strand). VCF-style: chrX-31323657-C-T. GRCh37 (hg19) VCF-style: chrX-31341774-C-T.
Other names: c.9141G>A, p.Thr3047= (NM_000109.4); c.9153G>A, p.Thr3051= (NM_004009.3); c.8796G>A, p.Thr2932= (NM_004010.3); c.5142G>A, p.Thr1714= (NM_004011.4); c.5133G>A, p.Thr1711= (NM_004012.4); c.1785G>A, p.Thr595= (NM_004013.3, NM_004020.4, NM_004021.3 and 2 more transcripts); c.978G>A, p.Thr326= (NM_004014.3).
Identifiers: ClinVar variation 286909 (VCV000286909.39), dbSNP rs137905486, ClinGen allele CA10377895.

ClinVar aggregate classification (germline): Conflicting classifications of pathogenicity. Review status: criteria provided, conflicting classifications (1 of 4 stars). 10 submissions from 10 submitters: Uncertain significance (1); Benign (3); Likely benign (4). 2 of the submissions do not count toward it. Last evaluated 2026-01-05.

Conditions:
DMD-related disorder. Also called: DMD-related condition.
Cardiomyopathy (CMYO). Also called: Cardiomyopathies. Identifiers: Orphanet 167848, MedGen C0878544, MONDO:0004994, HP:0001638. Inheritance: Various modes of inheritance.
Dystrophin deficiency.
Duchenne muscular dystrophy (DMD). Also called: MUSCULAR DYSTROPHY, PSEUDOHYPERTROPHIC PROGRESSIVE, DUCHENNE TYPE; Duchenne Muscular Dystrophy (DMD). Identifiers: Orphanet 98896, MedGen C0013264, MONDO:0010679, OMIM 310200.
Becker muscular dystrophy (BMD). Also called: Becker Muscular Dystrophy (BMD); MUSCULAR DYSTROPHY, PSEUDOHYPERTROPHIC PROGRESSIVE, BECKER TYPE. Identifiers: Orphanet 98895, MedGen C0917713, MONDO:0010311, OMIM 300376.
Cardiovascular phenotype. Identifiers: MedGen CN230736.

Allele frequency attached by ClinVar (database versions not stated): gnomAD exomes 0.00006 and 0.00021; TOPMed 0.00020; 1000 Genomes Project 30x 0.00021; ExAC 0.00022; gnomAD 0.00023 and 0.00024; 1000 Genomes Project 0.00026; ESP Exome Variant Server 0.00028.
gnomAD v4.1: 97 of 1,206,601 alleles (0.008%); highest among the groups gnomAD compares: East Asian, 0.062%; no homozygotes.

Submissions (10):

Labcorp Genetics (formerly Invitae), Labcorp
Classification: Benign for Duchenne muscular dystrophy. Last evaluated: 2026-01-05. Review status: criteria provided, single submitter. Criteria: Invitae Variant Classification Sherloc (09022015). Collection method: clinical testing. Allele origin: germline.

Molecular Diagnostic Laboratory for Inherited Cardiovascular Disease, Montreal Heart Institute
Classification: Likely benign. Last evaluated: 2025-04-09. Review status: criteria provided, single submitter. Criteria: ACMG Guidelines, 2015. Collection method: clinical testing. Allele origin: germline. Affected: no.

Athena Diagnostics
Classification: Benign. Last evaluated: 2021-04-27. Review status: criteria provided, single submitter. Criteria: Athena Diagnostics criteria. Collection method: clinical testing. Allele origin: unknown.

Blueprint Genetics
Classification: Likely benign. Last evaluated: 2018-12-31. Review status: criteria provided, single submitter. Criteria: ACMG Guidelines, 2015. Collection method: clinical testing. Allele origin: germline.

ARUP Laboratories, Molecular Genetics and Genomics, ARUP Laboratories
Classification: Benign. Last evaluated: 2018-09-18. Review status: criteria provided, single submitter. Criteria: ARUP Molecular Germline Variant Investigation Process. Collection method: clinical testing. Allele origin: germline.

Eurofins Ntd Llc (ga)
Classification: Uncertain significance. Last evaluated: 2018-01-23. Review status: criteria provided, single submitter. Criteria: EGL Classification Definitions 2015. Collection method: clinical testing. Allele origin: germline. Observed: 3 variant alleles, 2 heterozygotes, 1 hemizygote.

GeneDx
Classification: Likely benign. Last evaluated: 2017-12-08. Review status: criteria provided, single submitter. Criteria: GeneDx Variant Classification (06012015). Collection method: clinical testing. Allele origin: germline. Affected: yes.
Comment: This variant is considered likely benign or benign based on one or more of the following criteria: it is a conservative change, it occurs at a poorly conserved position in the protein, it is predicted to be benign by multiple in silico algorithms, and/or has population frequency not consistent with disease.

Ambry Genetics
Classification: Likely benign for Cardiovascular phenotype. Last evaluated: 2017-11-29. Review status: criteria provided, single submitter. Criteria: Ambry Variant Classification Scheme 2023. Collection method: clinical testing. Allele origin: germline.

PreventionGenetics, part of Exact Sciences
Classification: Likely benign for DMD-related condition. Last evaluated: 2020-08-13. Review status: no assertion criteria provided. Collection method: clinical testing. Allele origin: germline. Not counted in ClinVar's aggregate classification.
Comment: This variant is classified as likely benign based on ACMG/AMP sequence variant interpretation guidelines (Richards et al. 2015 PMID: 25741868, with internal and published modifications).

Natera, Inc.
Classification: Likely benign for Becker muscular dystrophy; Cardiomyopathy; Duchenne muscular dystrophy; Dystrophin deficiency. Last evaluated: 2019-06-25. Review status: no assertion criteria provided. Collection method: clinical testing. Allele origin: germline. Not counted in ClinVar's aggregate classification.